The following is an entry in ClinVar:

ClinVar aggregate classification (germline): Benign/Likely benign. Review status: criteria provided, multiple submitters, no conflicts (2 of 4 stars). 2 submissions from 2 submitters: Benign (1); Likely benign (1). Last evaluated 2025-10-28.

Conditions:
Intellectual disability. Also called: intellectual disabilities; Intellectual functioning disability; Intellectual developmental disorder. Identifiers: MedGen C3714756, MeSH D008607, MONDO:0001071, HP:0001249.

Allele frequency attached by ClinVar (database versions not stated): gnomAD exomes below 0.00001; TOPMed 0.00002; gnomAD 0.00001.
gnomAD v4.1: 4 of 1,614,072 alleles (0.00025%); highest among the groups gnomAD compares: Admixed American, 0.0017%; no homozygotes.

Submissions (2):

Labcorp Genetics (formerly Invitae), Labcorp
Classification: Benign for Intellectual disability. Last evaluated: 2025-10-28. Review status: criteria provided, single submitter. Criteria: Invitae Variant Classification Sherloc (09022015). Collection method: clinical testing. Allele origin: germline.

GeneDx
Classification: Likely benign. Last evaluated: 2018-06-15. Review status: criteria provided, single submitter. Criteria: GeneDx Variant Classification (06012015). Collection method: clinical testing. Allele origin: germline. Affected: yes.
Comment: This variant is considered likely benign or benign based on one or more of the following criteria: it is a conservative change, it occurs at a poorly conserved position in the protein, it is predicted to be benign by multiple in silico algorithms, and/or has population frequency not consistent with disease.

NM_001371727.1(GABRB2):c.1077+6T>C

Gene: GABRB2 (gamma-aminobutyric acid type A receptor subunit beta2; minus strand). Cytogenetic location: 5q34.
Variant type: single nucleotide variant.
Coding change: c.1077+6T>C on transcript NM_001371727.1 (MANE Select); 6 bases into the intron after coding-DNA position 1077, T replaced by C.
Molecular consequence: intron variant.
Genome position (GRCh38, 1-based): chr5:161,330,877, A>G on the plus strand (T>C on the coding strand, the complement: GABRB2 is on the minus strand). VCF-style: chr5-161330877-A-G. GRCh37 (hg19) VCF-style: chr5-160757884-A-G.
Other names: c.1077+6T>C (NM_000813.3, NM_021911.3).
Identifiers: ClinVar variation 664230 (VCV000664230.9), dbSNP rs993294374, ClinGen allele CA131019987.